The following is an entry in ClinVar:

ClinVar aggregate classification (germline): Uncertain significance. Review status: criteria provided, multiple submitters, no conflicts (2 of 4 stars). 2 submissions from 2 submitters: Uncertain significance (2). Last evaluated 2024-04-22.

Conditions:
Inborn genetic diseases. Identifiers: MedGen C0950123, MeSH D030342.

Submissions (2):

Women's Health and Genetics/Laboratory Corporation of America, LabCorp
Classification: Uncertain significance. Last evaluated: 2024-04-22. Review status: criteria provided, single submitter. Criteria: LabCorp Variant Classification Summary - May 2015. Collection method: clinical testing. Allele origin: germline.
Comment: Variant summary: ATP6AP1 c.133G>T (p.Val45Phe) results in a non-conservative amino acid change in the encoded protein sequence. Four of five in-silico tools predict a damaging effect of the variant on protein function. The variant was absent in 50401 control chromosomes. The available data on variant occurrences in the general population are insufficient to allow any conclusion about variant significance. To our knowledge, no occurrence of c.133G>T in individuals affected with Immunodeficiency 47 and no experimental evidence demonstrating its impact on protein function have been reported. ClinVar contains an entry for this variant (Variation ID: 2339536). Based on the evidence outlined above, the variant was classified as uncertain significance.

Ambry Genetics
Classification: Uncertain significance for Inborn genetic diseases. Last evaluated: 2022-12-27. Review status: criteria provided, single submitter. Criteria: Ambry Variant Classification Scheme 2023. Collection method: clinical testing. Allele origin: germline.

NM_001183.6(ATP6AP1):c.133G>T (p.Val45Phe)

Gene: ATP6AP1 (ATPase H+ transporting accessory protein 1; plus strand). Cytogenetic location: Xq28.
Variant type: single nucleotide variant.
Coding change: c.133G>T on transcript NM_001183.6 (MANE Select); coding-DNA position 133, G replaced by T.
Protein change: p.Val45Phe; replaces valine 45 with phenylalanine.
Molecular consequence: missense variant.
Genome position (GRCh38, 1-based): chrX:154,428,825, G>T. VCF-style: chrX-154428825-G-T. GRCh37 (hg19) VCF-style: chrX-153657171-G-T.
Other names: short protein forms V45F.
Identifiers: ClinVar variation 2339536 (VCV002339536.3), dbSNP rs2523013198, ClinGen allele CA415187665.